The following is an entry in ClinVar:

ClinVar aggregate classification (germline): Uncertain significance (1 of 4 stars; one submission).

Allele frequency attached by ClinVar (database versions not stated): TOPMed below 0.00001; gnomAD 0.00001; gnomAD exomes 0.00001; ExAC 0.00003; 1000 Genomes Project 30x 0.00016; 1000 Genomes Project 0.00020.
gnomAD v4.1: 15 of 1,607,520 alleles (0.00093%); highest among the groups gnomAD compares: East Asian, 0.0045%; no homozygotes.

Submission:

Labcorp Genetics (formerly Invitae), Labcorp
Classification: Uncertain significance. Last evaluated: 2024-05-06. Review status: criteria provided, single submitter. Criteria: Invitae Variant Classification Sherloc (09022015). Collection method: clinical testing. Allele origin: germline.
Comment: This sequence change replaces methionine, which is neutral and non-polar, with valine, which is neutral and non-polar, at codon 2286 of the ZDBF2 protein (p.Met2286Val). This variant is present in population databases (rs538415362, gnomAD 0.007%). This variant has not been reported in the literature in individuals affected with ZDBF2-related conditions. Algorithms developed to predict the effect of missense changes on protein structure and function output the following: SIFT: "Not Available"; PolyPhen-2: "Benign"; Align-GVGD: "Not Available". The valine amino acid residue is found in multiple mammalian species, which suggests that this missense change does not adversely affect protein function. In summary, the available evidence is currently insufficient to determine the role of this variant in disease. Therefore, it has been classified as a Variant of Uncertain Significance.

NM_020923.3(ZDBF2):c.6856A>G (p.Met2286Val)

Gene: ZDBF2 (zinc finger DBF-type containing 2; plus strand). Cytogenetic location: 2q33.3.
Variant type: single nucleotide variant.
Coding change: c.6856A>G on transcript NM_020923.3 (MANE Select); coding-DNA position 6856, A replaced by G.
Protein change: p.Met2286Val; replaces methionine 2286 with valine.
Molecular consequence: missense variant.
Genome position (GRCh38, 1-based): chr2:206,311,384, A>G. VCF-style: chr2-206311384-A-G. GRCh37 (hg19) VCF-style: chr2-207176108-A-G.
Other names: c.6850A>G, p.Met2284Val (NM_001285549.2); c.6856A>G, p.Met2286Val (NM_001369654.1); short protein forms M2284V, M2286V.
Identifiers: ClinVar variation 2896129 (VCV002896129.3), dbSNP rs538415362, ClinGen allele CA2072718.